The following is an entry in ClinVar:

ClinVar aggregate classification (germline): Conflicting classifications of pathogenicity. Review status: criteria provided, conflicting classifications (1 of 4 stars). 6 submissions from 6 submitters: Likely pathogenic (3); Uncertain significance (3). Last evaluated 2026-05-07.

Conditions:
Left ventricular noncompaction 10 (LVNC10). Identifiers: Orphanet 154, Orphanet 54260, MedGen C3715165, MONDO:0014163, OMIM 615396.
Hypertrophic cardiomyopathy 4. Also called: Familial hypertrophic cardiomyopathy 4. Identifiers: MedGen C1861862, MONDO:0007268, OMIM 115197.
Cardiomyopathy (CMYO). Also called: Cardiomyopathies. Identifiers: Orphanet 167848, MedGen C0878544, MONDO:0004994, HP:0001638. Inheritance: Various modes of inheritance.
Cardiovascular phenotype. Identifiers: MedGen CN230736.
Hypertrophic cardiomyopathy. Also called: HYPERTROPHIC MYOCARDIOPATHY. Identifiers: Orphanet 217569, MedGen C0007194, MeSH D002312, MONDO:0005045, HP:0001639.

Allele frequency attached by ClinVar (database versions not stated): gnomAD exomes 0.00001; TOPMed below 0.00001.

Submissions (6):

GeneDx
Classification: Likely pathogenic. Last evaluated: 2026-05-07. Review status: criteria provided, single submitter. Criteria: GeneDx Variant Classification Process June 2021. Collection method: clinical testing. Allele origin: germline.
Comment: Reported in individuals with cardiomyopathy from large cohort studies, although further patient-specific details were limited (PMID: 37652022, 27532257); Initiation codon variant predicted to critically alter the protein; Not observed at significant frequency in large population cohorts (gnomAD); This variant is associated with the following publications: (PMID: 27532257, 37652022, 25611685, 33996946, 26090888, 25741868, 29524613)

Labcorp Genetics (formerly Invitae), Labcorp
Classification: Uncertain significance for Hypertrophic cardiomyopathy. Last evaluated: 2025-09-27. Review status: criteria provided, single submitter. Criteria: Invitae Variant Classification Sherloc (09022015). Collection method: clinical testing. Allele origin: germline.
Comment: This sequence change affects the initiator codon of the MYBPC3 mRNA. This change may impact translation initiation or efficiency. The next in-frame methionine is located at codon 103. This variant is not present in population databases (gnomAD no frequency). Disruption of the initiator codon has been observed in individual(s) with dilated cardiomyopathy and/or hypertrophic cardiomyopathy (PMID: 25611685, 27532257, 29524613, 33996946, 37652022). ClinVar contains an entry for this variant (Variation ID: 1406676). Experimental studies and prediction algorithms are not available or were not evaluated, and the functional significance of this variant is currently unknown. This variant disrupts a region of the MYBPC3 protein in which other variant(s) (p.Ile49Ser) have been observed in individuals with MYBPC3-related conditions (PMID: 26090888). This suggests that this is a clinically significant region of the protein, and that variants that disrupt it are likely to be disease-causing. In summary, the available evidence is currently insufficient to determine the role of this variant in disease. Therefore, it has been classified as a Variant of Uncertain Significance.

Fulgent Genetics
Classification: Likely pathogenic for Hypertrophic cardiomyopathy 4; Left ventricular noncompaction 10. Last evaluated: 2024-01-06. Review status: criteria provided, single submitter. Criteria: ACMG Guidelines, 2015. Collection method: clinical testing. Allele origin: germline.

All of Us Research Program, National Institutes of Health
Classification: Uncertain significance for Hypertrophic cardiomyopathy. Last evaluated: 2023-11-30. Review status: criteria provided, single submitter. Criteria: ACMG Guidelines, 2015. Collection method: clinical testing. Allele origin: germline. Inheritance: Autosomal dominant inheritance. Observed: 1 variant allele, 1 heterozygote.
Comment: This study involves interpretation of variants in research participants for the purpose of population health screening. Participant phenotype was not available at the time of variant classification. Additional details can be found in publication PMID: 35346344, PMCID: PMC8962531

Ambry Genetics
Classification: Likely pathogenic for Cardiovascular phenotype. Last evaluated: 2023-05-05. Review status: criteria provided, single submitter. Criteria: Ambry Variant Classification Scheme 2023. Collection method: clinical testing. Allele origin: germline.
Comment: The p.M1? variant (also known as c.1A>T) is located in coding exon 1 of the MYBPC3 gene and results from an A to T substitution at nucleotide position 1. This alters the methionine residue at the initiation codon (ATG). This variant is considered to be rare based on population cohorts in the Genome Aggregation Database (gnomAD). This amino acid position is well conserved in available vertebrate species. In addition to the clinical data presented in the literature, sequence variations that modify the initiation codon are expected to result in either loss of translation initiation, N-terminal truncation, or cause a shift in the mRNA reading frame. Based on the majority of available evidence to date, this variant is likely to be pathogenic.

CHEO Genetics Diagnostic Laboratory, Children's Hospital of Eastern Ontario
Classification: Uncertain significance for Cardiomyopathy. Last evaluated: 2022-04-21. Review status: criteria provided, single submitter. Criteria: ACMG Guidelines, 2015. Collection method: clinical testing. Allele origin: germline.

Literature cited by the submitters: PubMed 25611685 (cited by Labcorp Genetics (formerly Invitae), Labcorp); PubMed 27532257 (cited by Labcorp Genetics (formerly Invitae), Labcorp and Ambry Genetics); PubMed 29524613 (cited by Labcorp Genetics (formerly Invitae), Labcorp); PubMed 33996946 (cited by Labcorp Genetics (formerly Invitae), Labcorp); PubMed 37652022 (cited by Labcorp Genetics (formerly Invitae), Labcorp); PubMed 26090888 (cited by Labcorp Genetics (formerly Invitae), Labcorp).

NM_000256.3(MYBPC3):c.1A>T (p.Met1Leu)

Gene: MYBPC3 (myosin binding protein C3; minus strand). Cytogenetic location: 11p11.2.
Variant type: single nucleotide variant.
Coding change: c.1A>T on transcript NM_000256.3 (MANE Select); coding-DNA position 1, A replaced by T.
Protein change: p.Met1Leu; changes the start codon (methionine 1).
Molecular consequence: missense variant, initiator codon variant.
Genome position (GRCh38, 1-based): chr11:47,352,647, T>A on the plus strand (A>T on the coding strand, the complement: MYBPC3 is on the minus strand). VCF-style: chr11-47352647-T-A. GRCh37 (hg19) VCF-style: chr11-47374198-T-A.
Other names: short protein forms M1L.
Identifiers: ClinVar variation 1406676 (VCV001406676.16), dbSNP rs1461764618, ClinGen allele CA380342848.